The following is an entry in ClinVar:

ClinVar aggregate classification (germline): Uncertain significance. Review status: criteria provided, multiple submitters, no conflicts (2 of 4 stars). 2 submissions from 2 submitters: Uncertain significance (2). Last evaluated 2025-06-30.

Conditions:
Hereditary cancer-predisposing syndrome. Also called: Neoplastic Syndromes, Hereditary; Hereditary neoplastic syndrome; Tumor predisposition; Hereditary Cancer Syndrome. Identifiers: Orphanet 140162, MedGen C0027672, MeSH D009386, MONDO:0015356.
Tuberous sclerosis syndrome (TSC). Also called: Tuberous sclerosis; Tuberous Sclerosis Complex. Identifiers: Orphanet 805, MedGen C0041341, MONDO:0001734.

Submissions (2):

Color Diagnostics, LLC DBA Color Health
Classification: Uncertain significance for Tuberous sclerosis syndrome. Last evaluated: 2025-06-30. Review status: criteria provided, single submitter. Criteria: ACMG Guidelines, 2015. Collection method: clinical testing. Allele origin: germline.
Comment: This missense variant replaces glutamic acid with aspartic acid at codon 887 of the TSC1 protein. Computational prediction suggests that this variant may not impact protein structure and function. To our knowledge, functional studies have not been reported for this variant. This variant has not been reported in individuals affected with TSC1-related disorders in the literature. This variant has not been identified in the general population by the Genome Aggregation Database (gnomAD). The available evidence is insufficient to determine the role of this variant in disease conclusively. Therefore, this variant is classified as a Variant of Uncertain Significance.

Ambry Genetics
Classification: Uncertain significance for Hereditary cancer-predisposing syndrome. Last evaluated: 2024-04-12. Review status: criteria provided, single submitter. Criteria: Ambry Variant Classification Scheme 2023. Collection method: clinical testing. Allele origin: germline.
Comment: The p.E887D variant (also known as c.2661G>T), located in coding exon 19 of the TSC1 gene, results from a G to T substitution at nucleotide position 2661. The glutamic acid at codon 887 is replaced by aspartic acid, an amino acid with highly similar properties. This amino acid position is conserved. In addition, the in silico prediction for this alteration is inconclusive. Based on the available evidence, the clinical significance of this variant remains unclear.

NM_000368.5(TSC1):c.2661G>T (p.Glu887Asp)

Gene: TSC1 (TSC complex subunit 1; minus strand). Cytogenetic location: 9q34.13.
Variant type: single nucleotide variant.
Coding change: c.2661G>T on transcript NM_000368.5 (MANE Select); coding-DNA position 2661, G replaced by T.
Protein change: p.Glu887Asp; replaces glutamic acid 887 with aspartic acid.
Molecular consequence: missense variant. On other transcripts: non-coding transcript variant (5).
Genome position (GRCh38, 1-based): chr9:132,897,575, C>A on the plus strand (G>T on the coding strand, the complement: TSC1 is on the minus strand). VCF-style: chr9-132897575-C-A. GRCh37 (hg19) VCF-style: chr9-135772962-C-A.
Other names: c.2643G>T, p.Glu881Asp (NM_001406604.1, NM_001406603.1); c.2619G>T, p.Glu873Asp (NM_001406605.1, NM_001406606.1, NM_001406607.1); c.2616G>T, p.Glu872Asp (NM_001406608.1, NM_001406609.1); c.2508G>T, p.Glu836Asp (NM_001406610.1, NM_001162427.2); c.2505G>T, p.Glu835Asp (NM_001406611.1, NM_001406612.1); c.2463G>T, p.Glu821Asp (NM_001406613.1); c.2658G>T, p.Glu886Asp (NM_001162426.2, NM_001406597.1, NM_001406598.1 and 2 more transcripts); c.2298G>T, p.Glu766Asp (NM_001362177.2, NM_001406614.1, NM_001406615.1 and 4 more transcripts); and 8 more; short protein forms E569D, E752D, E873D, E570D, E765D, E821D, E835D, E881D.
Identifiers: ClinVar variation 3329383 (VCV003329383.2).
Genomic context (GRCh38, chr9:132,897,575, plus strand): 5'-TTTTTGGGAGGTATCAAGCCTCTGAGTCTGCTGGAGAACATGGCTTCTGTTTTTTTCTAG[C>A]TCTTTCCGATAGGCGGCTTTCATCATTTCTACTTCCTGAAAAAAAAAAAAAAAAAAGACT-3'
Protein context (NP_000359.1, residues 877-897): VEMMKAAYRK[Glu887Asp]LEKNRSHVLQ